The following is an entry in ClinVar:

NM_006828.4(ASCC3):c.1024C>T (p.Arg342Cys)

Gene: ASCC3 (activating signal cointegrator 1 complex subunit 3; minus strand). Cytogenetic location: 6q16.3.
Variant type: single nucleotide variant.
Coding change: c.1024C>T on transcript NM_006828.4 (MANE Select); coding-DNA position 1024, C replaced by T.
Protein change: p.Arg342Cys; replaces arginine 342 with cysteine.
Molecular consequence: missense variant.
Genome position (GRCh38, 1-based): chr6:100,800,403, G>A on the plus strand (C>T on the coding strand, the complement: ASCC3 is on the minus strand). VCF-style: chr6-100800403-G-A. GRCh37 (hg19) VCF-style: chr6-101248279-G-A.
Other names: c.1024C>T, p.Arg342Cys (NM_001284271.2); short protein forms R342C.
Identifiers: ClinVar variation 4849080 (VCV004849080.1).
Genomic context (GRCh38, chr6:100,800,403, plus strand): 5'-CTGAAACTTCTAAATCTTCTCCAGCCTTTTTTTCTCGTCTGGCAATTCTTTTTTCTTCAC[G>A]TCGATATTGTTTCATTAACTGCTTTTCTTGTTCAGACTGAATAGTGACTTGACAACCATA-3'
Protein context (NP_006819.2, residues 332-352): QEKQLMKQYR[Arg342Cys]EEKRIARREK

ClinVar aggregate classification (germline): Uncertain significance (1 of 4 stars; one submission).

gnomAD v4.1: 5 of 1,612,268 alleles (0.00031%); highest among the groups gnomAD compares: South Asian, 0.0011%; no homozygotes.

Submission:

Women's Health and Genetics/Laboratory Corporation of America, LabCorp
Classification: Uncertain significance. Last evaluated: 2026-04-27. Review status: criteria provided, single submitter. Criteria: LabCorp Variant Classification Summary - May 2015. Collection method: clinical testing. Allele origin: germline.
Comment: Variant summary: ASCC3 c.1024C>T (p.Arg342Cys) results in a non-conservative amino acid change in the encoded protein sequence. Algorithms developed to predict the effect of missense changes on protein structure and function are either unavailable or do not agree on the potential impact of this missense change. The variant allele was found at a frequency of 4e-06 in 250582 control chromosomes. The available data on variant occurrences in the general population are insufficient to allow any conclusion about variant significance. To our knowledge, no occurrence of c.1024C>T in individuals affected with ASCC3-related conditions and no experimental evidence demonstrating its impact on protein function have been reported. No submitters have cited clinical-significance assessments for this variant to ClinVar. Based on the evidence outlined above, the variant was classified as uncertain significance.